The following is an entry in ClinVar:

NM_000321.3(RB1):c.182G>A (p.Cys61Tyr)

Gene: RB1 (RB transcriptional corepressor 1; plus strand). Cytogenetic location: 13q14.2.
Variant type: single nucleotide variant.
Coding change: c.182G>A on transcript NM_000321.3 (MANE Select); coding-DNA position 182, G replaced by A.
Protein change: p.Cys61Tyr; replaces cysteine 61 with tyrosine.
Molecular consequence: missense variant.
Genome position (GRCh38, 1-based): chr13:48,307,324, G>A. VCF-style: chr13-48307324-G-A. GRCh37 (hg19) VCF-style: chr13-48881460-G-A.
Other names: short protein forms C61Y.
Identifiers: ClinVar variation 646257 (VCV000646257.10), dbSNP rs1593414390, ClinGen allele CA388250518.

ClinVar aggregate classification (germline): Uncertain significance (1 of 4 stars; one submission).

Conditions:
Retinoblastoma (RB1). Also called: RETINOBLASTOMA, SOMATIC. Identifiers: Orphanet 790, MedGen C0035335, MeSH D012175, MONDO:0008380, OMIM 180200, HP:0009919. Disease mechanism: loss of function. Inheritance: Both sporadic and heritable forms are tested..

Submission:

Labcorp Genetics (formerly Invitae), Labcorp
Classification: Uncertain significance for Retinoblastoma. Last evaluated: 2026-02-02. Review status: criteria provided, single submitter. Criteria: Invitae Variant Classification Sherloc (09022015). Collection method: clinical testing. Allele origin: germline.
Comment: This sequence change replaces cysteine, which is neutral and slightly polar, with tyrosine, which is neutral and polar, at codon 61 of the RB1 protein (p.Cys61Tyr). This variant is not present in population databases (gnomAD no frequency). This variant has not been reported in the literature in individuals affected with RB1-related conditions. ClinVar contains an entry for this variant (Variation ID: 646257). Invitae Evidence Modeling of protein sequence and biophysical properties (such as structural, functional, and spatial information, amino acid conservation, physicochemical variation, residue mobility, and thermodynamic stability) indicates that this missense variant is expected to disrupt RB1 protein function with a positive predictive value of 80%. In summary, the available evidence is currently insufficient to determine the role of this variant in disease. Therefore, it has been classified as a Variant of Uncertain Significance.